The following is an entry in ClinVar:

NM_001046.3(SLC12A2):c.3197del (p.Asp1066fs)

Gene: SLC12A2 (solute carrier family 12 member 2; plus strand). Cytogenetic location: 5q23.3.
Variant type: Deletion.
Coding change: c.3197del on transcript NM_001046.3 (MANE Select); coding-DNA position 3197, one base deleted (A; older notation c.3197delA).
Protein change: p.Asp1066fs; shifts the reading frame from aspartic acid 1066.
Molecular consequence: frameshift variant. On other transcripts: non-coding transcript variant (1).
Genome position (GRCh38, 1-based): chr5:128,180,979, A deleted. VCF-style (leftmost placement, unchanged base first): chr5-128180978-GA-G. GRCh37 (hg19) VCF-style: chr5-127516670-GA-G.
Other names: c.3149del, p.Asp1050fs (NM_001256461.2); short protein forms D1050fs, D1066fs.
Identifiers: ClinVar variation 3372555 (VCV003372555.1).

ClinVar aggregate classification (germline): Uncertain significance (1 of 4 stars; one submission).

Submission:

GeneDx
Classification: Uncertain significance. Last evaluated: 2024-04-18. Review status: criteria provided, single submitter. Criteria: GeneDx Variant Classification Process June 2021. Collection method: clinical testing. Allele origin: germline. Affected: yes.
Comment: Not observed at significant frequency in large population cohorts (gnomAD); Frameshift variant predicted to result in protein truncation or nonsense mediated decay in a gene or region of a gene for which loss of function is not a well-established mechanism of disease; Has not been previously published as pathogenic or benign to our knowledge